The following is an entry in ClinVar:

ClinVar aggregate classification (germline): Uncertain significance (1 of 4 stars; one submission).

Conditions:
Congenital myasthenic syndrome 4A. Also called: CONGENITAL MYASTHENIC SYNDROME TYPE Ia1; MYASTHENIC SYNDROME, CONGENITAL, 4A, SLOW-CHANNEL, AUTOSOMAL RECESSIVE; Myasthenic syndrome, congenital, 4a, slow-channel. Identifiers: Orphanet 590, MedGen C4225413, MONDO:0011600, OMIM 605809.

Submission:

Labcorp Genetics (formerly Invitae), Labcorp
Classification: Uncertain significance for Congenital myasthenic syndrome 4A. Last evaluated: 2022-06-24. Review status: criteria provided, single submitter. Criteria: Invitae Variant Classification Sherloc (09022015). Collection method: clinical testing. Allele origin: germline.
Comment: Advanced modeling of protein sequence and biophysical properties (such as structural, functional, and spatial information, amino acid conservation, physicochemical variation, residue mobility, and thermodynamic stability) performed at Invitae indicates that this missense variant is not expected to disrupt CHRNE protein function. This variant has not been reported in the literature in individuals affected with CHRNE-related conditions. This variant is not present in population databases (gnomAD no frequency). This sequence change replaces arginine, which is basic and polar, with glutamine, which is neutral and polar, at codon 341 of the CHRNE protein (p.Arg341Gln). In summary, the available evidence is currently insufficient to determine the role of this variant in disease. Therefore, it has been classified as a Variant of Uncertain Significance.

NM_000080.4(CHRNE):c.1022G>A (p.Arg341Gln)

Gene: CHRNE (cholinergic receptor nicotinic epsilon subunit; minus strand). Cytogenetic location: 17p13.2.
Variant type: single nucleotide variant.
Coding change: c.1022G>A on transcript NM_000080.4 (MANE Select); coding-DNA position 1022, G replaced by A.
Protein change: p.Arg341Gln; replaces arginine 341 with glutamine.
Molecular consequence: missense variant.
Genome position (GRCh38, 1-based): chr17:4,899,478, C>T on the plus strand (G>A on the coding strand, the complement: CHRNE is on the minus strand). VCF-style: chr17-4899478-C-T. GRCh37 (hg19) VCF-style: chr17-4802773-C-T.
Other names: short protein forms R341Q.
Identifiers: ClinVar variation 2170906 (VCV002170906.4), dbSNP rs369641727, ClinGen allele CA287180578.